The following is an entry in ClinVar:

NM_005866.4(SIGMAR1):c.366T>C (p.Ala122=)

Gene: SIGMAR1 (sigma receptor chaperone 1; minus strand). Cytogenetic location: 9p13.3.
Variant type: single nucleotide variant.
Coding change: c.366T>C on transcript NM_005866.4 (MANE Select); coding-DNA position 366, T replaced by C.
Protein change: p.Ala122=; no amino-acid change (alanine 122 retained).
Molecular consequence: synonymous variant. On other transcripts: missense variant (1), non-coding transcript variant (1), intron variant (2).
Genome position (GRCh38, 1-based): chr9:34,637,076, A>G on the plus strand (T>C on the coding strand, the complement: SIGMAR1 is on the minus strand). VCF-style: chr9-34637076-A-G. GRCh37 (hg19) VCF-style: chr9-34637073-A-G.
Other names: p.Ala122=; c.366T>C, p.Ala122= (NM_001282205.2); c.66T>C, p.Ala22= (NM_001282206.2); c.306T>C, p.Ala102= (NM_001282207.2); c.389T>C, p.Leu130Pro (NM_001282208.2); c.305+191T>C (NM_001282209.2); c.352+144T>C (NM_147157.3); short protein forms L130P.
Identifiers: ClinVar variation 767353 (VCV000767353.10), dbSNP rs754723315, ClinGen allele CA5035885.
Genomic context (GRCh38, chr9:34,637,076, plus strand): 5'-TTTGGTGGTGCCCTCTCTCCACTGGTGGAAGGTGCCAGAGATGATGGTATCCGAGATCTC[A>G]GCCCAGTAGCGCCCTGAGTGACAATCGCACATGACACTATCAGGGTATTCGCGCCATTGC-3'
Protein context (NP_005857.1, residues 112-132): GSRGHSGRYW[Ala122=]EISDTIISGT

ClinVar aggregate classification (germline): Likely benign. Review status: criteria provided, multiple submitters, no conflicts (2 of 4 stars). 2 submissions from 2 submitters: Likely benign (2). Last evaluated 2025-10-07.

Conditions:
Autosomal recessive distal spinal muscular atrophy 2. Also called: NEUROPATHY, DISTAL HEREDITARY MOTOR, AUTOSOMAL RECESSIVE 2; NEURONOPATHY, DISTAL HEREDITARY MOTOR, JERASH TYPE; NEUROPATHY, DISTAL HEREDITARY MOTOR, JERASH TYPE; SPINAL MUSCULAR ATROPHY, JERASH TYPE; Hereditary motor neuropathy, Jerash type; Motor neuropathy, distal, Jerash type. Identifiers: Orphanet 139552, MedGen C1854023, MONDO:0011585, OMIM 605726.
Amyotrophic lateral sclerosis type 16. Also called: AMYOTROPHIC LATERAL SCLEROSIS 16, JUVENILE. Identifiers: Orphanet 300605, MedGen C3280587, MONDO:0013715, OMIM 614373.

Allele frequency attached by ClinVar (database versions not stated): ExAC 0.00001; gnomAD exomes 0.00001.
gnomAD v4.1: 19 of 1,614,080 alleles (0.0012%); highest among the groups gnomAD compares: Non-Finnish European, 0.0015%; no homozygotes.

Submissions (2):

Mayo Clinic Laboratories, Mayo Clinic
Classification: Likely benign. Last evaluated: 2025-10-07. Review status: criteria provided, single submitter. Criteria: ACMG Guidelines, 2015. Collection method: clinical testing. Allele origin: germline. Observed: 1 variant allele.
Comment: BP4, BP7

Labcorp Genetics (formerly Invitae), Labcorp
Classification: Likely benign for Autosomal recessive distal spinal muscular atrophy 2; Amyotrophic lateral sclerosis type 16. Last evaluated: 2025-03-05. Review status: criteria provided, single submitter. Criteria: Invitae Variant Classification Sherloc (09022015). Collection method: clinical testing. Allele origin: germline.